The following is an entry in ClinVar:

ClinVar aggregate classification (germline): Likely pathogenic (1 of 4 stars; one submission).

Conditions:
Dilated cardiomyopathy 1G (CMD1G). Identifiers: Orphanet 154, MedGen C1858763, MONDO:0011400, OMIM 604145.
Autosomal recessive limb-girdle muscular dystrophy type 2J (LGMDR10). Also called: Limb-girdle muscular dystrophy, type 2J; MUSCULAR DYSTROPHY, LIMB-GIRDLE, AUTOSOMAL RECESSIVE 10. Identifiers: Orphanet 140922, MedGen C1837342, MONDO:0012127, OMIM 608807.

Submission:

Labcorp Genetics (formerly Invitae), Labcorp
Classification: Likely pathogenic for Dilated cardiomyopathy 1G; Autosomal recessive limb-girdle muscular dystrophy type 2J. Last evaluated: 2024-07-30. Review status: criteria provided, single submitter. Criteria: Invitae Variant Classification Sherloc (09022015). Collection method: clinical testing. Allele origin: germline.
Comment: This sequence change creates a premature translational stop signal (p.Ser11831Valfs*28) in the TTN gene. While this is not anticipated to result in nonsense mediated decay, it is expected to create a truncated TTN protein. This variant is not present in population databases (gnomAD no frequency). This variant has not been reported in the literature in individuals affected with TTN-related conditions. Algorithms developed to predict the effect of sequence changes on RNA splicing suggest that this variant may disrupt the consensus splice site. This variant is located in the I band of TTN (PMID: 25589632). Truncating variants in this region have been reported in individuals affected with autosomal recessive centronuclear myopathy (PMID: 23975875, Invitae internal data). Truncating variants in this region have also been identified in individuals affected with autosomal dominant dilated cardiomyopathy and/or cardio-related conditions (PMID: 27869827, 32964742, Invitae internal data). In summary, the currently available evidence indicates that the variant is pathogenic, but additional data are needed to prove that conclusively. Therefore, this variant has been classified as Likely Pathogenic.

Literature cited by the submitters: PubMed 25589632; PubMed 23975875; PubMed 27869827; PubMed 32964742.

NM_001267550.2(TTN):c.35487del (p.Ser11831fs)

Gene: TTN (titin; minus strand). Cytogenetic location: 2q31.2.
Variant type: Deletion.
Coding change: c.35487del on transcript NM_001267550.2 (MANE Select); coding-DNA position 35487, one base deleted (G; older notation c.35487delG).
Protein change: p.Ser11831fs; shifts the reading frame from serine 11831.
Molecular consequence: frameshift variant. On other transcripts: intron variant (5).
Genome position (GRCh38, 1-based): chr2:178,669,431, C deleted on the plus strand (G on the coding strand, the reverse complement: TTN is on the minus strand). VCF-style (leftmost placement, unchanged base first): chr2-178669430-TC-T. GRCh37 (hg19) VCF-style: chr2-179534157-TC-T.
Other names: c.13283-27114del (NM_003319.4); c.13859-27114del (NM_133437.4); c.13658-27114del (NM_133432.3); c.31483+787del (NM_133378.4); c.34264+787del (NM_001256850.1); short protein forms S11831fs.
Identifiers: ClinVar variation 3757435 (VCV003757435.2).
Genomic context (GRCh38, chr2:178,669,430, plus strand): 5'-CACTGTACATCTCTGTGTCTTCAGAAATAACAATAGGTGATTTTTCTTCTTGAACACTTT[TC>T]TTAGGCATCCCAGGAACTTTAAAGATATTAGTATATTAATTGTTACAGATAACAAATATA-3'